The following is an entry in ClinVar:

NM_015386.3(COG4):c.265C>A (p.Gln89Lys)

Gene: COG4 (component of oligomeric golgi complex 4; minus strand). Cytogenetic location: 16q22.1.
Variant type: single nucleotide variant.
Coding change: c.265C>A on transcript NM_015386.3 (MANE Select); coding-DNA position 265, C replaced by A.
Protein change: p.Gln89Lys; replaces glutamine 89 with lysine.
Molecular consequence: missense variant. On other transcripts: 5 prime UTR variant (1), non-coding transcript variant (1).
Genome position (GRCh38, 1-based): chr16:70,517,730, G>T on the plus strand (C>A on the coding strand, the complement: COG4 is on the minus strand). VCF-style: chr16-70517730-G-T. GRCh37 (hg19) VCF-style: chr16-70551633-G-T.
Other names: c.253C>A, p.Gln85Lys (NM_001195139.2); c.-335C>A (NM_001365426.1); short protein forms Q85K, Q89K.
Identifiers: ClinVar variation 2700194 (VCV002700194.3), dbSNP rs2507550406, ClinGen allele CA396579777.

ClinVar aggregate classification (germline): Uncertain significance (1 of 4 stars; one submission).

Conditions:
COG4-congenital disorder of glycosylation. Also called: CONGENITAL DISORDER OF GLYCOSYLATION, TYPE IIj; CDG IIj; COG4-CDG. Identifiers: Orphanet 263501, MedGen C4303552, MONDO:0013281, OMIM 613489.

Allele frequency attached by ClinVar (database versions not stated): gnomAD exomes below 0.00001.
gnomAD v4.1: 2 of 1,608,662 alleles (0.00012%); highest among the groups gnomAD compares: Non-Finnish European, 0.00017%; no homozygotes.

Submission:

Labcorp Genetics (formerly Invitae), Labcorp
Classification: Uncertain significance for COG4-congenital disorder of glycosylation. Last evaluated: 2024-04-29. Review status: criteria provided, single submitter. Criteria: Invitae Variant Classification Sherloc (09022015). Collection method: clinical testing. Allele origin: germline.
Comment: This sequence change replaces glutamine, which is neutral and polar, with lysine, which is basic and polar, at codon 89 of the COG4 protein (p.Gln89Lys). This variant is not present in population databases (gnomAD no frequency). This variant has not been reported in the literature in individuals affected with COG4-related conditions. Advanced modeling of protein sequence and biophysical properties (such as structural, functional, and spatial information, amino acid conservation, physicochemical variation, residue mobility, and thermodynamic stability) performed at Invitae indicates that this missense variant is not expected to disrupt COG4 protein function with a negative predictive value of 80%. In summary, the available evidence is currently insufficient to determine the role of this variant in disease. Therefore, it has been classified as a Variant of Uncertain Significance.